The following is an entry in ClinVar:

ClinVar aggregate classification (germline): Uncertain significance (1 of 4 stars; one submission).

Submission:

Labcorp Genetics (formerly Invitae), Labcorp
Classification: Uncertain significance. Last evaluated: 2024-06-04. Review status: criteria provided, single submitter. Criteria: Invitae Variant Classification Sherloc (09022015). Collection method: clinical testing. Allele origin: germline.
Comment: This sequence change affects codon 150 of the SOX11 mRNA. It is a 'silent' change, meaning that it does not change the encoded amino acid sequence of the SOX11 protein. This variant is present in population databases (rs762444705, gnomAD 0.003%). This variant has not been reported in the literature in individuals affected with SOX11-related conditions. In summary, the available evidence is currently insufficient to determine the role of this variant in disease. Therefore, it has been classified as a Variant of Uncertain Significance.

NM_003108.4(SOX11):c.450G>T (p.Ala150=)

Gene: SOX11 (SRY-box transcription factor 11; plus strand). Cytogenetic location: 2p25.2.
Variant type: single nucleotide variant.
Coding change: c.450G>T on transcript NM_003108.4 (MANE Select); coding-DNA position 450, G replaced by T.
Protein change: p.Ala150=; no amino-acid change (alanine 150 retained).
Molecular consequence: synonymous variant.
Genome position (GRCh38, 1-based): chr2:5,693,171, G>T. VCF-style: chr2-5693171-G-T. GRCh37 (hg19) VCF-style: chr2-5833303-G-T.
Identifiers: ClinVar variation 3624386 (VCV003624386.2).